The following is an entry in ClinVar:

ClinVar aggregate classification (germline): Uncertain significance (1 of 4 stars; one submission).

Conditions:
Carney complex, type 1 (CNC1). Also called: CARNEY MYXOMA-ENDOCRINE COMPLEX; CARNEY COMPLEX, TYPE I. Identifiers: Orphanet 1359, MedGen C2607929, MONDO:0008057, OMIM 160980.

Submission:

Labcorp Genetics (formerly Invitae), Labcorp
Classification: Uncertain significance for Carney complex, type 1. Last evaluated: 2021-03-13. Review status: criteria provided, single submitter. Criteria: Invitae Variant Classification Sherloc (09022015). Collection method: clinical testing. Allele origin: germline.
Comment: Experimental studies and prediction algorithms are not available or were not evaluated, and the functional significance of this variant is currently unknown. This variant has not been reported in the literature in individuals with PRKAR1A-related conditions. This variant is not present in population databases (ExAC no frequency). This variant, c.221_253del, results in the deletion of 11 amino acid(s) of the PRKAR1A protein (p.Arg74_Pro84del), but otherwise preserves the integrity of the reading frame. In summary, the available evidence is currently insufficient to determine the role of this variant in disease. Therefore, it has been classified as a Variant of Uncertain Significance.

NM_002734.5(PRKAR1A):c.221_253del (p.Arg74_Pro84del)

Gene: PRKAR1A (protein kinase cAMP-dependent type I regulatory subunit alpha; plus strand). Cytogenetic location: 17q24.2.
Variant type: Deletion.
Coding change: c.221_253del on transcript NM_002734.5 (MANE Select); coding-DNA positions 221 to 253, 33 bases deleted.
Protein change: p.Arg74_Pro84del.
Molecular consequence: inframe deletion.
Genome position (GRCh38, 1-based): chr17:68,522,799-68,522,831, 33 bases deleted; deleting any 33 consecutive bases within chr17:68,522,796-68,522,831 gives the same sequence; the c. name uses the placement nearest the transcript's 3' end. GRCh37 (hg19): chr17:66,518,940-66,518,972.
Other names: c.221_253del, p.Arg74_Pro84del (NM_001276289.2, NM_001276290.1, NM_001278433.2 and 4 more transcripts).
Identifiers: ClinVar variation 1424965 (VCV001424965.8), dbSNP rs2143272862, ClinGen allele CA2573154760.
Genomic context (GRCh38, chr17:68,522,795, plus strand): 5'-CAAACTCGTAATTTCTTTCAGGAGGAGGCAAAACAGATTCAGAATCTGCAGAAAGCAGGC[ACTCGTACAGACTCAAGGGAGGATGAGATTTCTC>A]CTCCTCCACCCAACCCAGTGGTTAAAGGTAGGAGGCGACGAGGTGCTATCAGCGCTGAGG-3'